The following is an entry in ClinVar:

ClinVar aggregate classification (germline): Likely benign (1 of 4 stars; one submission).

Submission:

Women's Health and Genetics/Laboratory Corporation of America, LabCorp
Classification: Likely benign. Last evaluated: 2025-03-03. Review status: criteria provided, single submitter. Criteria: LabCorp Variant Classification Summary - May 2015. Collection method: clinical testing. Allele origin: germline.
Comment: Variant summary: CHD4 c.5379G>A alters a conserved nucleotide resulting in a synonymous change. Consensus agreement among computation tools predict no significant impact on normal splicing. However, these predictions have yet to be confirmed by functional studies. The variant allele was found at a frequency of 4.7e-06 in 212098 control chromosomes. The available data on variant occurrences in the general population are insufficient to allow any conclusion about variant significance. To our knowledge, no occurrence of c.5379G>A in individuals affected with Sifrim-Hitz Syndrome and no experimental evidence demonstrating its impact on protein function have been reported. No submitters have cited clinical-significance assessments for this variant to ClinVar. Based on the evidence outlined above, the variant was classified as likely benign.

NM_001273.5(CHD4):c.5379G>A (p.Leu1793=)

Genes: CHD4 (chromodomain helicase DNA binding protein 4; minus strand), CHD4-AS1 (CHD4 antisense RNA 1; plus strand). Cytogenetic location: 12p13.31.
Variant type: single nucleotide variant.
Coding change: c.5379G>A on transcript NM_001273.5 (MANE Select); coding-DNA position 5379, G replaced by A.
Protein change: p.Leu1793=; no amino-acid change (leucine 1793 retained).
Molecular consequence: synonymous variant.
Genome position (GRCh38, 1-based): chr12:6,573,252, C>T on the plus strand (G>A on the coding strand, the complement: CHD4 is on the minus strand). VCF-style: chr12-6573252-C-T. GRCh37 (hg19) VCF-style: chr12-6682418-C-T.
Other names: c.5358G>A, p.Leu1786= (NM_001297553.2); c.5346G>A, p.Leu1782= (NM_001363606.2).
Identifiers: ClinVar variation 3895855 (VCV003895855.1).
Genomic context (GRCh38, chr12:6,573,252, plus strand): 5'-GTGAGAAGGGTCTTCTGACATGTTCAAGTAAGCAGCCCGGCGCAGCTGTTCCTCAATCAC[C>T]AGAGCTTGTTCTAAGAGCTGGACAAGGGATAAGAGGAAACGGGAGTTCGACTGATAACTC-3'
Protein context (NP_001264.2, residues 1783-1803): ARRFKLLEQA[Leu1793=]VIEEQLRRAA